The following is an entry in ClinVar:

NM_000219.6(KCNE1):c.68A>T (p.Gln23Leu)

Gene: KCNE1 (potassium voltage-gated channel subfamily E regulatory subunit 1; minus strand). Cytogenetic location: 21q22.12.
Variant type: single nucleotide variant.
Coding change: c.68A>T on transcript NM_000219.6 (MANE Select); coding-DNA position 68, A replaced by T.
Protein change: p.Gln23Leu; replaces glutamine 23 with leucine.
Molecular consequence: missense variant.
Genome position (GRCh38, 1-based): chr21:34,449,567, T>A on the plus strand (A>T on the coding strand, the complement: KCNE1 is on the minus strand). VCF-style: chr21-34449567-T-A. GRCh37 (hg19) VCF-style: chr21-35821865-T-A.
Other names: c.68A>T, p.Gln23Leu (NM_001127668.4, NM_001127669.4, NM_001127670.4 and 4 more transcripts); short protein forms Q23L.
Identifiers: ClinVar variation 3373960 (VCV003373960.2).
Genomic context (GRCh38, chr21:34,449,567, plus strand): 5'-TCCAGCTTGCCGTCACTGCTGCGGGGGGACCTGCGGGCCAGGCCCGACATGTTGCCACCC[T>A]GCTGAACTGTCTCCTGCCACAGCTTGGTCAGAAAGGGCGTCACCGCTGTGGTGTTAGACA-3'
Protein context (NP_000210.2, residues 13-33): LTKLWQETVQ[Gln23Leu]GGNMSGLARR

Conditions:
Long QT syndrome 5 (LQT5). Identifiers: Orphanet 101016, Orphanet 768, MedGen C1867904, MONDO:0013372, OMIM 613695.

Submission:

Roden Lab, Vanderbilt University Medical Center
No classification provided (evidence only). Condition: Long QT syndrome 5. Review status: no classification provided. Collection method: in vitro. Allele origin: not applicable. Functional consequence: Effect on ion channel function.
ClinVar note: "not provided" was previously submitted as the classification for the variant. However, the classification appeared to be based only on an observation of functional data so it was converted to no classification on 2025-07-30.